The following is an entry in ClinVar:

NM_001303473.2(GPR146):c.404G>A (p.Arg135Gln)

Genes: CHLSN (cholesin; minus strand), GPR146 (G protein-coupled receptor 146; plus strand). Cytogenetic location: 7p22.3.
Variant type: single nucleotide variant.
Coding change: c.404G>A on transcript NM_001303473.2 (MANE Select); coding-DNA position 404, G replaced by A.
Protein change: p.Arg135Gln; replaces arginine 135 with glutamine.
Molecular consequence: missense variant. On other transcripts: intron variant (7).
Genome position (GRCh38, 1-based): chr7:1,057,919, G>A. VCF-style: chr7-1057919-G-A. GRCh37 (hg19) VCF-style: chr7-1097555-G-A.
Other names: c.404G>A, p.Arg135Gln (NM_001303474.2, NM_138445.4); c.130-47776C>T (NM_001424326.1, NM_001424325.1, NM_001134396.1 and 4 more transcripts); short protein forms R135Q.
Identifiers: ClinVar variation 2657177 (VCV002657177.24), dbSNP rs61997249, ClinGen allele CA4115250.

ClinVar aggregate classification (germline): Likely benign (1 of 4 stars; one submission).

Allele frequency attached by ClinVar (database versions not stated): TOPMed 0.00095; 1000 Genomes Project 0.00100; gnomAD 0.00105; ESP Exome Variant Server 0.00123; 1000 Genomes Project 30x 0.00125; ExAC 0.00172; gnomAD exomes 0.00179.
gnomAD v4.1: 1,311 of 774,898 alleles (0.17%); highest among the groups gnomAD compares: Middle Eastern, 0.65%; 11 homozygotes.

Submission:

CeGaT Center for Human Genetics Tuebingen
Classification: Likely benign. Last evaluated: 2022-10-01. Review status: criteria provided, single submitter. Criteria: CeGaT Center For Human Genetics Tuebingen Variant Classification Criteria Version 2. Collection method: clinical testing. Allele origin: germline. Affected: yes. Observed: 1 variant allele.
Comment: GPR146: BS2